The following is an entry in ClinVar:

ClinVar aggregate classification (germline): Benign. Review status: criteria provided, multiple submitters, no conflicts (2 of 4 stars). 2 submissions from 2 submitters: Benign (2). Last evaluated 2018-06-18.

Allele frequency attached by ClinVar (database versions not stated): 1000 Genomes Project 30x 0.99953; 1000 Genomes Project 0.99960; TOPMed 0.99981; gnomAD 0.99985 and 0.99986.
gnomAD v4.1: 152,177 of 152,200 alleles (100%); highest among the groups gnomAD compares: Non-Finnish European, 100%; 76,077 homozygotes.

Submissions (2):

GeneDx
Classification: Benign. Last evaluated: 2018-06-18. Review status: criteria provided, single submitter. Criteria: GeneDx Variant Classification (06012015). Collection method: clinical testing. Allele origin: germline. Affected: yes.
Comment: This variant is considered likely benign or benign based on one or more of the following criteria: it is a conservative change, it occurs at a poorly conserved position in the protein, it is predicted to be benign by multiple in silico algorithms, and/or has population frequency not consistent with disease.

Breakthrough Genomics
Classification: Benign. Review status: criteria provided, single submitter. Criteria: ACMG Guidelines, 2015. Collection method: not provided. Allele origin: germline. Inheritance: Unknown mechanism. Affected: yes.

NM_002907.4(RECQL):c.1447+155G>T

Gene: RECQL (RecQ like helicase; minus strand). Cytogenetic location: 12p12.1.
Variant type: single nucleotide variant.
Coding change: c.1447+155G>T on transcript NM_002907.4 (MANE Select); 155 bases into the intron after coding-DNA position 1447, G replaced by T.
Molecular consequence: intron variant.
Genome position (GRCh38, 1-based): chr12:21,473,396, C>A on the plus strand (G>T on the coding strand, the complement: RECQL is on the minus strand). VCF-style: chr12-21473396-C-A. GRCh37 (hg19) VCF-style: chr12-21626330-C-A.
Other names: c.1447+155G>T (NM_032941.3).
Identifiers: ClinVar variation 679691 (VCV000679691.2), dbSNP rs917853, ClinGen allele CA233567224.